The following is an entry in ClinVar:

NM_032776.3(JMJD1C):c.808G>A (p.Val270Ile)

Gene: JMJD1C (jumonji domain containing 1C; minus strand). Cytogenetic location: 10q21.3.
Variant type: single nucleotide variant.
Coding change: c.808G>A on transcript NM_032776.3 (MANE Select); coding-DNA position 808, G replaced by A.
Protein change: p.Val270Ile; replaces valine 270 with isoleucine.
Molecular consequence: missense variant. On other transcripts: 5 prime UTR variant (1), non-coding transcript variant (1).
Genome position (GRCh38, 1-based): chr10:63,215,567, C>T on the plus strand (G>A on the coding strand, the complement: JMJD1C is on the minus strand). VCF-style: chr10-63215567-C-T. GRCh37 (hg19) VCF-style: chr10-64975327-C-T.
Other names: c.262G>A, p.Val88Ile (NM_001282948.2, NM_001318154.2); c.-61G>A (NM_001318153.2); c.694G>A, p.Val232Ile (NM_001322252.2); c.151G>A, p.Val51Ile (NM_001322254.2, NM_001322258.2); short protein forms V88I, V270I, V232I, V51I.
Identifiers: ClinVar variation 855176 (VCV000855176.9), dbSNP rs376167675, ClinGen allele CA5518953.
Genomic context (GRCh38, chr10:63,215,567, plus strand): 5'-TAAGGAAAAATATTTTACAGAAATTCATCCCTAATAACATACATACGTGAACAGCGTTGA[C>T]GTTTTGATTGGCACGAGACCTGCGTCGTGATGTAATGCCAATATTTTCACCTTTTAACAA-3'
Protein context (NP_116165.1, residues 260-280): SRRRSRANQN[Val270Ile]NAVHSHYTRA

ClinVar aggregate classification (germline): Uncertain significance (1 of 4 stars; one submission).

Conditions:
Early Myoclonic Encephalopathy. Identifiers: MedGen C0270855.

Allele frequency attached by ClinVar (database versions not stated): gnomAD exomes 0.00003; ESP Exome Variant Server 0.00008; ExAC 0.00002; TOPMed 0.00004; gnomAD 0.00005 and 0.00006.
gnomAD v4.1: 47 of 1,609,190 alleles (0.0029%); highest among the groups gnomAD compares: Admixed American, 0.012%; no homozygotes.

Submission:

Labcorp Genetics (formerly Invitae), Labcorp
Classification: Uncertain significance for Early Myoclonic Encephalopathy. Last evaluated: 2026-01-26. Review status: criteria provided, single submitter. Criteria: Invitae Variant Classification Sherloc (09022015). Collection method: clinical testing. Allele origin: germline.
Comment: This sequence change replaces valine, which is neutral and non-polar, with isoleucine, which is neutral and non-polar, at codon 270 of the JMJD1C protein (p.Val270Ile). This variant is present in population databases (rs376167675, gnomAD 0.01%). This variant has not been reported in the literature in individuals affected with JMJD1C-related conditions. ClinVar contains an entry for this variant (Variation ID: 855176). An algorithm developed to predict the effect of missense changes on protein structure and function outputs the following: PolyPhen-2: "Benign". The isoleucine amino acid residue is found in multiple mammalian species, which suggests that this missense change does not adversely affect protein function. In summary, the available evidence is currently insufficient to determine the role of this variant in disease. Therefore, it has been classified as a Variant of Uncertain Significance.